The following is an entry in ClinVar:

ClinVar aggregate classification (germline): Uncertain significance (1 of 4 stars; one submission).

Conditions:
Inborn genetic diseases. Identifiers: MedGen C0950123, MeSH D030342.

Submission:

Ambry Genetics
Classification: Uncertain significance for Inborn genetic diseases. Last evaluated: 2025-03-08. Review status: criteria provided, single submitter. Criteria: Ambry Variant Classification Scheme 2023. Collection method: clinical testing. Allele origin: germline.
Comment: The p.G607A variant (also known as c.1820G>C), located in coding exon 13 of the ASXL1 gene, results from a G to C substitution at nucleotide position 1820. The glycine at codon 607 is replaced by alanine, an amino acid with similar properties. This amino acid position is conserved. In addition, this alteration is predicted to be tolerated by in silico analysis. Based on the available evidence, the clinical significance of this variant remains unclear.

NM_015338.6(ASXL1):c.1820G>C (p.Gly607Ala)

Gene: ASXL1 (ASXL transcriptional regulator 1; plus strand). Cytogenetic location: 20q11.21.
Variant type: single nucleotide variant.
Coding change: c.1820G>C on transcript NM_015338.6 (MANE Select); coding-DNA position 1820, G replaced by C.
Protein change: p.Gly607Ala; replaces glycine 607 with alanine.
Molecular consequence: missense variant.
Genome position (GRCh38, 1-based): chr20:32,434,532, G>C. VCF-style: chr20-32434532-G-C. GRCh37 (hg19) VCF-style: chr20-31022335-G-C.
Other names: c.1637G>C, p.Gly546Ala (NM_001363734.1); short protein forms G546A, G607A.
Identifiers: ClinVar variation 3794255 (VCV003794255.1).